The following is an entry in ClinVar:

ClinVar aggregate classification (germline): Pathogenic (1 of 4 stars; one submission).

Conditions:
Fabry disease. Also called: ALPHA-GALACTOSIDASE A DEFICIENCY; ANDERSON-FABRY DISEASE; CERAMIDE TRIHEXOSIDASE DEFICIENCY; GLA DEFICIENCY; HEREDITARY DYSTOPIC LIPIDOSIS; Angiokeratoma corporis diffusum. Identifiers: Orphanet 324, MedGen C0002986, MONDO:0010526, OMIM 301500, HP:0001071. Disease mechanism: Fabry disease is due to inactivating mutations in the X-linked GLA gene resulting in deficiency of the enzyme Alpha Galactosidase-A., loss of function.

Submission:

Genomenon, Inc
Classification: Pathogenic for Fabry disease. Last evaluated: 2026-09-08. Review status: criteria provided, single submitter. Criteria: Genomenon Sequence Variant Interpretation Standards - Updated. Collection method: curation. Allele origin: germline. Affected: yes.
Comment: GLA p.Trp95Ser (c.284G>C) is a missense variant that changes the amino acid at codon 95 from Tryptophan to Serine. This variant has been observed in at least one proband with clinical features consistent with Fabry disease (PMID:11668641;10916280). At least one functional study has demonstrated a substantial alteration in protein function relative to the wild-type (PMID:21598360;27657681). This variant is located in a mutational hotspot and/or important functional domain. It is absent or not present at a significant frequency in gnomAD. In silico models predict that this variant is possibly or probably damaging. In conclusion, we classify GLA p.Trp95Ser (c.284G>C) as a pathogenic variant.

Literature cited by the submitters: PubMed 11668641; PubMed 10916280; PubMed 21598360; PubMed 27657681.

NM_000169.3(GLA):c.284G>C (p.Trp95Ser)

Genes: GLA (galactosidase alpha; minus strand), RPL36A-HNRNPH2 (RPL36A-HNRNPH2 readthrough; plus strand). Cytogenetic location: Xq22.1.
Variant type: single nucleotide variant.
Coding change: c.284G>C on transcript NM_000169.3 (MANE Select); coding-DNA position 284, G replaced by C.
Protein change: p.Trp95Ser; replaces tryptophan 95 with serine.
Molecular consequence: missense variant. On other transcripts: non-coding transcript variant (3), intron variant (2).
Genome position (GRCh38, 1-based): chrX:101,403,896, C>G on the plus strand (G>C on the coding strand, the complement: GLA is on the minus strand). VCF-style: chrX-101403896-C-G. GRCh37 (hg19) VCF-style: chrX-100658884-C-G.
Other names: c.407G>C, p.Trp136Ser (NM_001406747.1, NM_001406749.1); c.284G>C, p.Trp95Ser (NM_001406748.1); c.301-8040C>G (NM_001199973.2); c.178-8040C>G (NM_001199974.2); short protein forms W136S, W95S.
Identifiers: ClinVar variation 4087331 (VCV004087331.2).